The following is an entry in ClinVar:

NM_015164.4(PLEKHM2):c.1640A>G (p.Gln547Arg)

Gene: PLEKHM2 (pleckstrin homology and RUN domain containing M2; plus strand). Cytogenetic location: 1p36.21.
Variant type: single nucleotide variant.
Coding change: c.1640A>G on transcript NM_015164.4 (MANE Select); coding-DNA position 1640, A replaced by G.
Protein change: p.Gln547Arg; replaces glutamine 547 with arginine.
Molecular consequence: missense variant.
Genome position (GRCh38, 1-based): chr1:15,727,712, A>G. VCF-style: chr1-15727712-A-G. GRCh37 (hg19) VCF-style: chr1-16054207-A-G.
Other names: short protein forms Q547R.
Identifiers: ClinVar variation 1483411 (VCV001483411.8), dbSNP rs762166145, ClinGen allele CA616964.

ClinVar aggregate classification (germline): Uncertain significance (1 of 4 stars; one submission).

Allele frequency attached by ClinVar (database versions not stated): gnomAD exomes below 0.00001 and 0.00001; ExAC 0.00002.

Submission:

Labcorp Genetics (formerly Invitae), Labcorp
Classification: Uncertain significance. Last evaluated: 2021-07-13. Review status: criteria provided, single submitter. Criteria: Invitae Variant Classification Sherloc (09022015). Collection method: clinical testing. Allele origin: germline.
Comment: This sequence change replaces glutamine with arginine at codon 547 of the PLEKHM2 protein (p.Gln547Arg). The glutamine residue is weakly conserved and there is a small physicochemical difference between glutamine and arginine. This variant is present in population databases (rs762166145, ExAC 0.01%). This variant has not been reported in the literature in individuals with PLEKHM2-related conditions. Algorithms developed to predict the effect of missense changes on protein structure and function (SIFT, PolyPhen-2, Align-GVGD) all suggest that this variant is likely to be tolerated, but these predictions have not been confirmed by published functional studies and their clinical significance is uncertain. In summary, the available evidence is currently insufficient to determine the role of this variant in disease. Therefore, it has been classified as a Variant of Uncertain Significance.